The following is an entry in ClinVar:

ClinVar aggregate classification (germline): Uncertain significance (1 of 4 stars; one submission).

Conditions:
Hereditary cancer-predisposing syndrome. Also called: Neoplastic Syndromes, Hereditary; Tumor predisposition; Hereditary Cancer Syndrome; Hereditary neoplastic syndrome. Identifiers: Orphanet 140162, MedGen C0027672, MeSH D009386, MONDO:0015356.

gnomAD v4.1: 2 of 1,612,320 alleles (0.00012%); highest among the groups gnomAD compares: Non-Finnish European, 0.00017%; no homozygotes.

Submission:

Ambry Genetics
Classification: Uncertain significance for Hereditary cancer-predisposing syndrome. Last evaluated: 2025-10-17. Review status: criteria provided, single submitter. Criteria: Ambry Variant Classification Scheme 2023. Collection method: clinical testing. Allele origin: germline.
Comment: The p.R48H variant (also known as c.143G>A), located in coding exon 1 of the ALK gene, results from a G to A substitution at nucleotide position 143. The arginine at codon 48 is replaced by histidine, an amino acid with highly similar properties. This amino acid position is highly conserved in available vertebrate species. In addition, the in silico prediction for this alteration is inconclusive. Based on the available evidence, the clinical significance of this variant remains unclear.

NM_004304.5(ALK):c.143G>A (p.Arg48His)

Gene: ALK (ALK receptor tyrosine kinase; minus strand). Cytogenetic location: 2p23.1.
Variant type: single nucleotide variant.
Coding change: c.143G>A on transcript NM_004304.5 (MANE Select); coding-DNA position 143, G replaced by A.
Protein change: p.Arg48His; replaces arginine 48 with histidine.
Molecular consequence: missense variant.
Genome position (GRCh38, 1-based): chr2:29,920,517, C>T on the plus strand (G>A on the coding strand, the complement: ALK is on the minus strand). VCF-style: chr2-29920517-C-T. GRCh37 (hg19) VCF-style: chr2-30143383-C-T.
Other names: short protein forms R48H.
Identifiers: ClinVar variation 4676318 (VCV004676318.1).
Genomic context (GRCh38, chr2:29,920,517, plus strand): 5'-GCGTAGACACGGAAGAGCGAGGGCACCACGAAGTCAACTGCCAGACTCTTCCTCTGCAGG[C>T]GCGAGTAGCTGAGTGGCTCCCGGGGCTGCAGCGGCGGCCCCGCAGCTGGGGAGCCCGCGC-3'
Protein context (NP_004295.2, residues 38-58): LQPREPLSYS[Arg48His]LQRKSLAVDF